The following is an entry in ClinVar:

NM_001376.5(DYNC1H1):c.12490A>G (p.Ile4164Val)

Gene: DYNC1H1 (dynein cytoplasmic 1 heavy chain 1; plus strand). Cytogenetic location: 14q32.31.
Variant type: single nucleotide variant.
Coding change: c.12490A>G on transcript NM_001376.5 (MANE Select); coding-DNA position 12490, A replaced by G.
Protein change: p.Ile4164Val; replaces isoleucine 4164 with valine.
Molecular consequence: missense variant.
Genome position (GRCh38, 1-based): chr14:102,042,725, A>G. VCF-style: chr14-102042725-A-G. GRCh37 (hg19) VCF-style: chr14-102509062-A-G.
Other names: short protein forms I4164V.
Identifiers: ClinVar variation 2581023 (VCV002581023.1), dbSNP rs2503860241, ClinGen allele CA391041682.

ClinVar aggregate classification (germline): Likely benign (1 of 4 stars; one submission).

Conditions:
Cortical dysplasia, complex, with other brain malformations 13. Also called: Intellectual disability, autosomal dominant 13. Identifiers: MedGen C3281202, MONDO:0013805, OMIM 614563.

Submission:

Dr. med. U. Finckh, Human Genetics, Eurofins MVZ
Classification: Likely benign for Cortical dysplasia, complex, with other brain malformations 13. Last evaluated: 2022-05-25. Review status: criteria provided, single submitter. Criteria: ACMG Guidelines, 2015. Collection method: clinical testing. Allele origin: paternal. Affected: no. Observed: 2 heterozygotes.